The following is an entry in ClinVar:

NM_031885.5(BBS2):c.49C>T (p.Arg17Ter)

Gene: BBS2 (Bardet-Biedl syndrome 2; minus strand). Cytogenetic location: 16q13.
Variant type: single nucleotide variant.
Coding change: c.49C>T on transcript NM_031885.5 (MANE Select); coding-DNA position 49, C replaced by T.
Protein change: p.Arg17Ter; replaces arginine 17 with a stop codon.
Molecular consequence: nonsense. On other transcripts: non-coding transcript variant (5).
Genome position (GRCh38, 1-based): chr16:56,519,814, G>A on the plus strand (C>T on the coding strand, the complement: BBS2 is on the minus strand). VCF-style: chr16-56519814-G-A. GRCh37 (hg19) VCF-style: chr16-56553726-G-A.
Other names: c.49C>T, p.Arg17Ter (NM_001377456.1); short protein forms R17*.
Identifiers: ClinVar variation 4816290 (VCV004816290.1).

ClinVar aggregate classification (germline): Likely pathogenic (1 of 4 stars; one submission).

Conditions:
Bardet-Biedl syndrome 2 (BBS2). Identifiers: Orphanet 110, MedGen C2936863, MONDO:0014432, OMIM 615981.

Submission:

Natera, Inc.
Classification: Likely pathogenic for Bardet-Biedl syndrome type 2. Last evaluated: 2026-01-29. Review status: criteria provided, single submitter. Criteria: Natera Variant Classification Schema (03/2026). Collection method: clinical testing. Allele origin: germline.
Comment: The c.49C>T variant in BBS2 is a nonsense variant predicted to introduce a stop codon at amino acid 17. This variant is expected to result in nonsense mediated decay, truncation, or a dysfunctional protein product. This variant is rare in the general population with a frequency below the threshold expected for the associated phenotype(s). Given the available evidence, this variant is classified as Likely Pathogenic.